The following is an entry in ClinVar:

NM_003743.5(NCOA1):c.93G>A (p.Thr31=)

Gene: NCOA1 (nuclear receptor coactivator 1; plus strand). Cytogenetic location: 2p23.3.
Variant type: single nucleotide variant.
Coding change: c.93G>A on transcript NM_003743.5 (MANE Select); coding-DNA position 93, G replaced by A.
Protein change: p.Thr31=; no amino-acid change (threonine 31 retained).
Molecular consequence: synonymous variant.
Genome position (GRCh38, 1-based): chr2:24,665,752, G>A. VCF-style: chr2-24665752-G-A. GRCh37 (hg19) VCF-style: chr2-24888621-G-A.
Other names: c.93G>A, p.Thr31= (NM_001362950.1, NM_001362952.1, NM_001362954.1 and 3 more transcripts).
Identifiers: ClinVar variation 3034876 (VCV003034876.2), dbSNP rs185518589, ClinGen allele CA1551943.

ClinVar aggregate classification (germline): Likely benign (0 of 4 stars; one submission).

Conditions:
NCOA1-related disorder. Also called: NCOA1-related condition.

Allele frequency attached by ClinVar (database versions not stated): gnomAD exomes 0.00003; ExAC 0.00006; gnomAD 0.00021; TOPMed 0.00047; 1000 Genomes Project 0.00100; 1000 Genomes Project 30x 0.00109.
gnomAD v4.1: 87 of 1,556,196 alleles (0.0056%); highest among the groups gnomAD compares: Admixed American, 0.063%; no homozygotes.

Submission:

PreventionGenetics, part of Exact Sciences
Classification: Likely benign for NCOA1-related condition. Last evaluated: 2020-12-03. Review status: no assertion criteria provided. Collection method: clinical testing. Allele origin: germline.
Comment: This variant is classified as likely benign based on ACMG/AMP sequence variant interpretation guidelines (Richards et al. 2015 PMID: 25741868, with internal and published modifications).